The following is an entry in ClinVar:

ClinVar aggregate classification (germline): Conflicting classifications of pathogenicity. Review status: criteria provided, conflicting classifications (1 of 4 stars). 4 submissions from 4 submitters: Uncertain significance (2); Likely benign (2). Last evaluated 2024-03-12.

Conditions:
Cystinuria (CSNU). Also called: CYSTINURIA, TYPE I; CYSTINURIA, TYPE II; CYSTINURIA, TYPE III; Cystinuria, non-type I. Identifiers: Orphanet 214, MedGen C0010691, MONDO:0009067, OMIM 220100, HP:0003131.
Inborn genetic diseases. Identifiers: MedGen C0950123, MeSH D030342.

Allele frequency attached by ClinVar (database versions not stated): gnomAD 0.00001; TOPMed 0.00001; gnomAD exomes 0.00003 and 0.00004; ExAC 0.00004.
gnomAD v4.1: 42 of 1,614,042 alleles (0.0026%); highest among the groups gnomAD compares: Middle Eastern, 0.016%; no homozygotes.

Submissions (4):

Fulgent Genetics
Classification: Uncertain significance for Cystinuria. Last evaluated: 2024-03-12. Review status: criteria provided, single submitter. Criteria: ACMG Guidelines, 2015. Collection method: clinical testing. Allele origin: germline.

Ambry Genetics
Classification: Likely benign for Inborn genetic diseases. Last evaluated: 2023-09-26. Review status: criteria provided, single submitter. Criteria: Ambry Variant Classification Scheme 2023. Collection method: clinical testing. Allele origin: germline.

Labcorp Genetics (formerly Invitae), Labcorp
Classification: Likely benign. Last evaluated: 2022-08-13. Review status: criteria provided, single submitter. Criteria: Invitae Variant Classification Sherloc (09022015). Collection method: clinical testing. Allele origin: germline.

Illumina Laboratory Services, Illumina
Classification: Uncertain significance for Cystinuria. Last evaluated: 2017-04-28. Review status: criteria provided, single submitter. Criteria: ICSL Variant Classification Criteria 13 December 2019. Collection method: clinical testing. Allele origin: germline.
Comment: This variant was observed as part of a predisposition screen in an ostensibly healthy population. A literature search was performed for the gene, cDNA change, and amino acid change (where applicable). Publications were found based on this search. However, the evidence from the literature, in combination with allele frequency data from public databases where available, was not sufficient to rule this variant in or out of causing disease. Therefore, this variant is classified as a variant of unknown significance.

Literature cited by the submitters: PubMed 25599739 (cited by Illumina Laboratory Services, Illumina); PubMed 26123750 (cited by Illumina Laboratory Services, Illumina).

NM_014270.5(SLC7A9):c.177G>A (p.Thr59=)

Gene: SLC7A9 (solute carrier family 7 member 9; minus strand). Cytogenetic location: 19q13.11.
Variant type: single nucleotide variant.
Coding change: c.177G>A on transcript NM_014270.5 (MANE Select); coding-DNA position 177, G replaced by A.
Protein change: p.Thr59=; no amino-acid change (threonine 59 retained).
Molecular consequence: synonymous variant.
Genome position (GRCh38, 1-based): chr19:32,864,687, C>T on the plus strand (G>A on the coding strand, the complement: SLC7A9 is on the minus strand). VCF-style: chr19-32864687-C-T. GRCh37 (hg19) VCF-style: chr19-33355593-C-T.
Other names: c.177G>A, p.Thr59= (NM_001126335.2, NM_001243036.2).
Identifiers: ClinVar variation 891295 (VCV000891295.10), dbSNP rs771205937, ClinGen allele CA9358928.
Genomic context (GRCh38, chr19:32,864,687, plus strand): 5'-ACCCAGCGTCGCGAGGACCCCGCAAGCCGCCCATATGATGAGGCAGGGCCCCACAGCTTC[C>T]GTGTTGCTGAGCACAGACTTGGGGGAAACGAAGATCCCAGAGCCAATGATGGTGCCCACG-3'
Protein context (NP_055085.1, residues 49-69): FVSPKSVLSN[Thr59=]EAVGPCLIIW